The following is an entry in ClinVar:

ClinVar aggregate classification (germline): Uncertain significance (1 of 4 stars; one submission).

Conditions:
Weiss-Kruszka syndrome. Also called: Metopic ridging-ptosis-facial dysmorphism syndrome. Identifiers: Orphanet 502430, MedGen C5568107, MONDO:0032836, OMIM 618619.

Submission:

Laboratorio de Genetica e Diagnostico Molecular, Hospital Israelita Albert Einstein
Classification: Uncertain significance for Weiss-Kruszka syndrome. Last evaluated: 2023-05-12. Review status: criteria provided, single submitter. Criteria: ACMG Guidelines, 2015. Collection method: clinical testing. Allele origin: germline. Affected: yes.
Comment: ACMG classification criteria: PM2 moderate, BP4 supporting

NM_021224.6(ZNF462):c.7118A>G (p.Glu2373Gly)

Genes: ZNF462 (zinc finger protein 462; plus strand), LOC340512 (uncharacterized LOC340512; minus strand). Cytogenetic location: 9q31.2.
Variant type: single nucleotide variant.
Coding change: c.7118A>G on transcript NM_021224.6 (MANE Select); coding-DNA position 7118, A replaced by G.
Protein change: p.Glu2373Gly; replaces glutamic acid 2373 with glycine.
Molecular consequence: missense variant.
Genome position (GRCh38, 1-based): chr9:107,003,355, A>G. VCF-style: chr9-107003355-A-G. GRCh37 (hg19) VCF-style: chr9-109765636-A-G.
Other names: c.4523A>G, p.Glu1508Gly (NM_001347997.2); short protein forms E1508G, E2373G.
Identifiers: ClinVar variation 4076361 (VCV004076361.1).
Genomic context (GRCh38, chr9:107,003,355, plus strand): 5'-TAAGCCGTAACTTTGAGCTGGTTGGACGGGTTAACTTGGATCAGCTGGAACAGATGAAGG[A>G]GAAAATGGAGAGCTCCAGCAGCGATGATGAGGACAAGGAAGAAGAAATGAACAGCAAGGC-3'
Protein context (NP_067047.4, residues 2363-2383): VNLDQLEQMK[Glu2373Gly]KMESSSSDDE